The following is an entry in ClinVar:

ClinVar aggregate classification (germline): Uncertain significance (1 of 4 stars; one submission).

Conditions:
Cardiovascular phenotype. Identifiers: MedGen CN230736.

Allele frequency attached by ClinVar (database versions not stated): gnomAD exomes below 0.00001.
gnomAD v4.1: 3 of 1,614,078 alleles (0.00019%); highest among the groups gnomAD compares: Non-Finnish European, 0.00025%; no homozygotes.

Submission:

Ambry Genetics
Classification: Uncertain significance for Cardiovascular phenotype. Last evaluated: 2022-11-20. Review status: criteria provided, single submitter. Criteria: Ambry Variant Classification Scheme 2023. Collection method: clinical testing. Allele origin: germline.
Comment: The p.C809Y variant (also known as c.2426G>A), located in coding exon 15 of the DSC2 gene, results from a G to A substitution at nucleotide position 2426. The cysteine at codon 809 is replaced by tyrosine, an amino acid with highly dissimilar properties. This amino acid position is conserved. In addition, this alteration is predicted to be tolerated by in silico analysis. Since supporting evidence is limited at this time, the clinical significance of this alteration remains unclear.

NM_024422.6(DSC2):c.2426G>A (p.Cys809Tyr)

Gene: DSC2 (desmocollin 2; minus strand). Cytogenetic location: 18q12.1.
Variant type: single nucleotide variant.
Coding change: c.2426G>A on transcript NM_024422.6 (MANE Select); coding-DNA position 2426, G replaced by A.
Protein change: p.Cys809Tyr; replaces cysteine 809 with tyrosine.
Molecular consequence: missense variant.
Genome position (GRCh38, 1-based): chr18:31,068,976, C>T on the plus strand (G>A on the coding strand, the complement: DSC2 is on the minus strand). VCF-style: chr18-31068976-C-T. GRCh37 (hg19) VCF-style: chr18-28648942-C-T.
Other names: c.1997G>A, p.Cys666Tyr (NM_001406506.1, NM_001406507.1); c.2426G>A, p.Cys809Tyr (NM_004949.5); short protein forms C809Y, C666Y.
Identifiers: ClinVar variation 2450333 (VCV002450333.2), dbSNP rs2510937806, ClinGen allele CA402111302.